The following is an entry in ClinVar:

NM_198252.3(GSN):c.133G>A (p.Val45Ile)

Gene: GSN (gelsolin; plus strand). Cytogenetic location: 9q33.2.
Variant type: single nucleotide variant.
Coding change: c.133G>A on transcript NM_198252.3 (MANE Select); coding-DNA position 133, G replaced by A.
Protein change: p.Val45Ile; replaces valine 45 with isoleucine.
Molecular consequence: missense variant. On other transcripts: intron variant (1).
Genome position (GRCh38, 1-based): chr9:121,302,104, G>A. VCF-style: chr9-121302104-G-A. GRCh37 (hg19) VCF-style: chr9-124064382-G-A.
Other names: c.166G>A, p.Val56Ile (NM_001353069.2, NM_001353070.2, NM_001353071.2 and 13 more transcripts); c.205G>A, p.Val69Ile (NM_001353076.2); c.-458-807G>A (NM_001353078.2); c.286G>A, p.Val96Ile (NM_000177.5); c.133G>A, p.Val45Ile (NM_001127662.2, NM_001127664.2, NM_001127665.2 and 10 more transcripts); c.241G>A, p.Val81Ile (NM_001127663.2); c.184G>A, p.Val62Ile (NM_001258029.2); c.157G>A, p.Val53Ile (NM_001258030.2); and 1 more; short protein forms V56I, V69I, V53I, V81I, V45I, V96I, V62I.
Identifiers: ClinVar variation 2991007 (VCV002991007.4), dbSNP rs142305374, ClinGen allele CA5220773.

ClinVar aggregate classification (germline): Conflicting classifications of pathogenicity. Review status: criteria provided, conflicting classifications (1 of 4 stars). 2 submissions from 2 submitters: Uncertain significance (1); Likely benign (1). Last evaluated 2023-12-21.

Conditions:
Inborn genetic diseases. Identifiers: MedGen C0950123, MeSH D030342.

Allele frequency attached by ClinVar (database versions not stated): ExAC 0.00002; TOPMed 0.00003; gnomAD 0.00005; ESP Exome Variant Server 0.00008; 1000 Genomes Project 30x 0.00016; 1000 Genomes Project 0.00020.
gnomAD v4.1: 23 of 1,614,194 alleles (0.0014%); highest among the groups gnomAD compares: African/African-American, 0.015%; no homozygotes.

Submissions (2):

Ambry Genetics
Classification: Likely benign for Inborn genetic diseases. Last evaluated: 2023-12-21. Review status: criteria provided, single submitter. Criteria: Ambry Variant Classification Scheme 2023. Collection method: clinical testing. Allele origin: germline.

Labcorp Genetics (formerly Invitae), Labcorp
Classification: Uncertain significance. Last evaluated: 2023-05-01. Review status: criteria provided, single submitter. Criteria: Invitae Variant Classification Sherloc (09022015). Collection method: clinical testing. Allele origin: germline.
Comment: In summary, the available evidence is currently insufficient to determine the role of this variant in disease. Therefore, it has been classified as a Variant of Uncertain Significance. This sequence change replaces valine, which is neutral and non-polar, with isoleucine, which is neutral and non-polar, at codon 96 of the GSN protein (p.Val96Ile). This variant is present in population databases (rs142305374, gnomAD 0.01%). This variant has not been reported in the literature in individuals affected with GSN-related conditions. An algorithm developed to predict the effect of missense changes on protein structure and function (PolyPhen-2) suggests that this variant is likely to be tolerated.